The following is an entry in ClinVar:

NM_001349.4(DARS1):c.508G>A (p.Gly170Arg)

Gene: DARS1 (aspartyl-tRNA synthetase 1; minus strand). Cytogenetic location: 2q21.3.
Variant type: single nucleotide variant.
Coding change: c.508G>A on transcript NM_001349.4 (MANE Select); coding-DNA position 508, G replaced by A.
Protein change: p.Gly170Arg; replaces glycine 170 with arginine.
Molecular consequence: missense variant.
Genome position (GRCh38, 1-based): chr2:135,932,839, C>T on the plus strand (G>A on the coding strand, the complement: DARS1 is on the minus strand). VCF-style: chr2-135932839-C-T. GRCh37 (hg19) VCF-style: chr2-136690409-C-T.
Other names: c.208G>A, p.Gly70Arg (NM_001293312.1); c.508G>A (NM_001349.2); short protein forms G170R, G70R.
Identifiers: ClinVar variation 1926164 (VCV001926164.3), dbSNP rs756361770, ClinGen allele CA1889765.

ClinVar aggregate classification (germline): Uncertain significance. Review status: criteria provided, multiple submitters, no conflicts (2 of 4 stars). 2 submissions from 2 submitters: Uncertain significance (2). Last evaluated 2025-06-26.

Conditions:
Inborn genetic diseases. Identifiers: MedGen C0950123, MeSH D030342.

Allele frequency attached by ClinVar (database versions not stated): gnomAD 0.00021.
gnomAD v4.1: 39 of 1,208,172 alleles (0.0032%); highest among the groups gnomAD compares: African/African-American, 0.068%; no homozygotes.

Submissions (2):

Ambry Genetics
Classification: Uncertain significance for Inborn genetic diseases. Last evaluated: 2025-06-26. Review status: criteria provided, single submitter. Criteria: Ambry Variant Classification Scheme 2023. Collection method: clinical testing. Allele origin: germline.

Labcorp Genetics (formerly Invitae), Labcorp
Classification: Uncertain significance. Last evaluated: 2022-07-07. Review status: criteria provided, single submitter. Criteria: Invitae Variant Classification Sherloc (09022015). Collection method: clinical testing. Allele origin: germline.
Comment: This sequence change replaces glycine, which is neutral and non-polar, with arginine, which is basic and polar, at codon 170 of the DARS protein (p.Gly170Arg). The frequency data for this variant in the population databases is considered unreliable, as metrics indicate poor data quality at this position in the gnomAD database. This variant has not been reported in the literature in individuals affected with DARS-related conditions. Algorithms developed to predict the effect of missense changes on protein structure and function are either unavailable or do not agree on the potential impact of this missense change (SIFT: "Deleterious"; PolyPhen-2: "Benign"; Align-GVGD: "Class C15"). In summary, the available evidence is currently insufficient to determine the role of this variant in disease. Therefore, it has been classified as a Variant of Uncertain Significance.